The following is an entry in ClinVar:

NM_004281.4(BAG3):c.1426G>A (p.Val476Met)

Gene: BAG3 (BAG cochaperone 3; plus strand). Cytogenetic location: 10q26.11.
Variant type: single nucleotide variant.
Coding change: c.1426G>A on transcript NM_004281.4 (MANE Select); coding-DNA position 1426, G replaced by A.
Protein change: p.Val476Met; replaces valine 476 with methionine.
Molecular consequence: missense variant.
Genome position (GRCh38, 1-based): chr10:119,676,980, G>A. VCF-style: chr10-119676980-G-A. GRCh37 (hg19) VCF-style: chr10-121436492-G-A.
Other names: short protein forms V476M.
Identifiers: ClinVar variation 3755430 (VCV003755430.3).

ClinVar aggregate classification (germline): Uncertain significance/VUS-mid. Review status: criteria provided, multiple submitters, no conflicts (2 of 4 stars). 2 submissions from 2 submitters: Uncertain significance (1); VUS-mid (1). Last evaluated 2025-12-24.

Conditions:
Dilated cardiomyopathy 1HH (CMD1HH). Identifiers: Orphanet 154, MedGen C3151293, MONDO:0013479, OMIM 613881.
Myofibrillar myopathy 6. Identifiers: Orphanet 199340, MedGen C2751831, MONDO:0013061, OMIM 612954.

Submissions (2):

Labcorp Genetics (formerly Invitae), Labcorp
Classification: Uncertain significance for Dilated cardiomyopathy 1HH; Myofibrillar myopathy 6. Last evaluated: 2025-12-24. Review status: criteria provided, single submitter. Criteria: Invitae Variant Classification Sherloc (09022015). Collection method: clinical testing. Allele origin: germline.
Comment: This sequence change replaces valine, which is neutral and non-polar, with methionine, which is neutral and non-polar, at codon 476 of the BAG3 protein (p.Val476Met). This variant is present in population databases (no rsID available, gnomAD 0.006%). This variant has not been reported in the literature in individuals affected with BAG3-related conditions. ClinVar contains an entry for this variant (Variation ID: 3755430). Invitae Evidence Modeling of protein sequence and biophysical properties (such as structural, functional, and spatial information, amino acid conservation, physicochemical variation, residue mobility, and thermodynamic stability) indicates that this missense variant is expected to disrupt BAG3 protein function with a positive predictive value of 80%. In summary, the available evidence is currently insufficient to determine the role of this variant in disease. Therefore, it has been classified as a Variant of Uncertain Significance.

Center for Molecular Medicine, Children’s Hospital of Fudan University
Classification: VUS-mid for Dilated cardiomyopathy 1HH. Last evaluated: 2025-12-12. Review status: criteria provided, single submitter. Criteria: ACMG Guidelines 2015. Collection method: clinical testing. Allele origin: maternal. Affected: yes.
Comment: PM2_PP+PP3_M